The following is an entry in ClinVar:

ClinVar aggregate classification (germline): Pathogenic (1 of 4 stars; one submission).

Conditions:
Mucopolysaccharidosis, MPS-II (MPS2). Also called: Hunter Syndrome; IDURONATE 2-SULFATASE DEFICIENCY; Mucopolysaccharidosis Type II; Mucopolysaccharidosis type 2; Attenuated MPS (subtype; formerly known as mild MPS II); Severe MPS II. Identifiers: Orphanet 580, Orphanet 79388, MedGen C0026705, MONDO:0010674, OMIM 309900.

Submission:

Laboratory of Diagnosis and Therapy of Lysosomal Disorders, University of Padova
Classification: Pathogenic for Mucopolysaccharidosis, MPS-II. Last evaluated: 2024-06-07. Review status: criteria provided, single submitter. Criteria: ACMG Guidelines, 2015. Collection method: literature only. Allele origin: germline. Affected: yes. Observed: 2 variant alleles.
Comment: Absent from controls (or at low frequency) in gnomAD database (PM2_Moderate), Cosegregation with disease in multiple affected family members (PP1_Moderate), Missense variant in a gene with a low rate of benign missense variation (PP2_Supporting), Multiple lines of computational evidence support a deleterious effect (PP3_Supporting), Patient’s phenotype or family history highly specific for the disease (PP4_Strong)

Classification method: ACMG Guidelines [PMID:25741868] with modifications

Literature cited by the submitters: DOI 10.1016/j.ymgme.2011.11.032.

NM_000202.8(IDS):c.389C>A (p.Thr130Asn)

Gene: IDS (iduronate 2-sulfatase; minus strand). Cytogenetic location: Xq28.
Variant type: single nucleotide variant.
Coding change: c.389C>A on transcript NM_000202.8 (MANE Select); coding-DNA position 389, C replaced by A.
Protein change: p.Thr130Asn; replaces threonine 130 with asparagine.
Molecular consequence: missense variant. On other transcripts: non-coding transcript variant (1).
Genome position (GRCh38, 1-based): chrX:149,503,341, G>T on the plus strand (C>A on the coding strand, the complement: IDS is on the minus strand). VCF-style: chrX-149503341-G-T. GRCh37 (hg19) VCF-style: chrX-148584871-G-T.
Other names: c.119C>A, p.Thr40Asn (NM_001166550.4); c.389C>A, p.Thr130Asn (NM_006123.5); short protein forms T130N, T40N.
Identifiers: ClinVar variation 3255693 (VCV003255693.2).